The following is an entry in ClinVar:

NM_001111125.3(IQSEC2):c.3015+2_3015+5del

Gene: IQSEC2 (IQ motif and Sec7 domain ArfGEF 2; minus strand). Cytogenetic location: Xp11.22.
Variant type: Deletion.
Coding change: c.3015+2_3015+5del on transcript NM_001111125.3 (MANE Select); the canonical splice donor site of the intron after coding-DNA position 3015 through 5 bases into the intron after coding-DNA position 3015, 4 bases deleted (TATG; older notation c.3015+2_3015+5delTATG).
Molecular consequence: splice donor variant.
Genome position (GRCh38, 1-based): chrX:53,241,779-53,241,782, CATA deleted on the plus strand (TATG on the coding strand, the reverse complement: IQSEC2 is on the minus strand); deleting any 4 consecutive bases within chrX:53,241,779-53,241,783 gives the same sequence; the c. name uses the placement nearest the transcript's 3' end. VCF-style (leftmost placement, unchanged base first): chrX-53241778-TCATA-T. GRCh37 (hg19) VCF-style: chrX-53270960-TCATA-T.
Other names: c.3015+2_3015+5del (NM_001410736.1); c.2400+2_2400+5del (NM_015075.2).
Identifiers: ClinVar variation 3644607 (VCV003644607.2).

ClinVar aggregate classification (germline): Likely pathogenic (1 of 4 stars; one submission).

Conditions:
Intellectual developmental disorder, X-linked 1. Also called: Atkin Flaitz Patil Smith syndrome; MENTAL RETARDATION, X-LINKED 18; MENTAL RETARDATION, X-LINKED 78; Intellectual disability, X-linked 1. Identifiers: Orphanet 777, MedGen C2931498, MONDO:0010656, OMIM 309530.

Submission:

Labcorp Genetics (formerly Invitae), Labcorp
Classification: Likely pathogenic for Intellectual developmental disorder, X-linked 1. Last evaluated: 2024-03-19. Review status: criteria provided, single submitter. Criteria: Invitae Variant Classification Sherloc (09022015). Collection method: clinical testing. Allele origin: germline.
Comment: This sequence change affects a splice site in intron 10 of the IQSEC2 gene. It is expected to disrupt RNA splicing. Variants that disrupt the donor or acceptor splice site typically lead to a loss of protein function (PMID: 16199547), and loss-of-function variants in IQSEC2 are known to be pathogenic (PMID: 21686261, 26793055, 27665735). This variant is not present in population databases (gnomAD no frequency). This variant has not been reported in the literature in individuals affected with IQSEC2-related conditions. Algorithms developed to predict the effect of sequence changes on RNA splicing suggest that this variant may disrupt the consensus splice site. In summary, the currently available evidence indicates that the variant is pathogenic, but additional data are needed to prove that conclusively. Therefore, this variant has been classified as Likely Pathogenic.

Literature cited by the submitters: PubMed 16199547; PubMed 21686261; PubMed 26793055; PubMed 27665735.